The following is an entry in ClinVar:

ClinVar aggregate classification (germline): Pathogenic (1 of 4 stars; one submission).

Conditions:
Familial cancer of breast. Also called: BREAST CANCER, FAMILIAL; Hereditary breast cancer; hereditary breast carcinoma. Identifiers: Orphanet 227535, MedGen C0346153, MONDO:0016419, OMIM 114480. Disease mechanism: loss of function.

Submission:

Myriad Genetics, Inc.
Classification: Pathogenic for Familial cancer of breast. Last evaluated: 2024-01-25. Review status: criteria provided, single submitter. Criteria: Myriad Autosomal Dominant, Autosomal Recessive and X-Linked Classification Criteria (2023). Collection method: clinical testing. Allele origin: unknown.
Comment: This variant is considered pathogenic. This variant creates a termination codon and is predicted to result in premature protein truncation.

NM_000051.4(ATM):c.5425del (p.Thr1808_Leu1809insTer)

Gene: ATM (ATM serine/threonine kinase; plus strand). Cytogenetic location: 11q22.3.
Variant type: Deletion.
Coding change: c.5425del on transcript NM_000051.4 (MANE Select); coding-DNA position 5425, one base deleted (C; older notation c.5425delC).
Protein change: p.Thr1808_Leu1809insTer.
Molecular consequence: nonsense.
Genome position (GRCh38, 1-based): chr11:108,302,958, C deleted. VCF-style (leftmost placement, unchanged base first): chr11-108302957-AC-A. GRCh37 (hg19) VCF-style: chr11-108173684-AC-A.
Other names: c.5425del, p.Thr1808_Leu1809insTer (NM_001351834.2).
Identifiers: ClinVar variation 3148155 (VCV003148155.1), dbSNP rs2546980129, ClinGen allele CA2825001903.